The following is an entry in ClinVar:

NM_001330.5(CTF1):c.37A>G (p.Thr13Ala)

Gene: CTF1 (cardiotrophin 1; plus strand). Cytogenetic location: 16p11.2.
Variant type: single nucleotide variant.
Coding change: c.37A>G on transcript NM_001330.5 (MANE Select); coding-DNA position 37, A replaced by G.
Protein change: p.Thr13Ala; replaces threonine 13 with alanine.
Molecular consequence: missense variant. On other transcripts: non-coding transcript variant (1).
Genome position (GRCh38, 1-based): chr16:30,899,426, A>G. VCF-style: chr16-30899426-A-G. GRCh37 (hg19) VCF-style: chr16-30910747-A-G.
Other names: c.34A>G, p.Thr12Ala (NM_001142544.3); short protein forms T12A, T13A.
Identifiers: ClinVar variation 1369901 (VCV001369901.8), dbSNP rs2143233389, ClinGen allele CA395633102.

ClinVar aggregate classification (germline): Uncertain significance (1 of 4 stars; one submission).

Submission:

Labcorp Genetics (formerly Invitae), Labcorp
Classification: Uncertain significance. Last evaluated: 2021-07-26. Review status: criteria provided, single submitter. Criteria: Invitae Variant Classification Sherloc (09022015). Collection method: clinical testing. Allele origin: germline.
Comment: In summary, the available evidence is currently insufficient to determine the role of this variant in disease. Therefore, it has been classified as a Variant of Uncertain Significance. Algorithms developed to predict the effect of missense changes on protein structure and function output the following: SIFT: "Tolerated"; PolyPhen-2: "Benign"; Align-GVGD: "Class C0". The alanine amino acid residue is found in multiple mammalian species, which suggests that this missense change does not adversely affect protein function. This variant has not been reported in the literature in individuals affected with CTF1-related conditions. This variant is not present in population databases (ExAC no frequency). This sequence change replaces threonine with alanine at codon 13 of the CTF1 protein (p.Thr13Ala). The threonine residue is weakly conserved and there is a small physicochemical difference between threonine and alanine.